The following is an entry in ClinVar:

ClinVar aggregate classification (germline): Likely pathogenic (1 of 4 stars; one submission).

Conditions:
Trichohepatoenteric syndrome 1 (THES1). Also called: DIARRHEA, FATAL INFANTILE, WITH TRICHORRHEXIS NODOSA. Identifiers: Orphanet 84064, MedGen C4551982, MONDO:0024541, OMIM 222470.

Submission:

Juno Genomics, Hangzhou Juno Genomics, Inc
Classification: Likely pathogenic for Trichohepatoenteric syndrome 1. Review status: criteria provided, single submitter. Criteria: ACMG Guidelines, 2015. Collection method: clinical testing. Allele origin: germline.
Comment: Absent from controls (or at extremely low frequency if recessive) in Genome Aggregation Database.;Null variant in a gene where loss of function (LOF) is a known mechanism of disease.

NM_014639.4(SKIC3):c.327-2A>T

Gene: SKIC3 (SKI3 subunit of superkiller complex; minus strand). Cytogenetic location: 5q15.
Variant type: single nucleotide variant.
Coding change: c.327-2A>T on transcript NM_014639.4 (MANE Select); the canonical splice acceptor site of the intron before coding-DNA position 327, A replaced by T.
Molecular consequence: splice acceptor variant.
Genome position (GRCh38, 1-based): chr5:95,541,382, T>A on the plus strand (A>T on the coding strand, the complement: SKIC3 is on the minus strand). VCF-style: chr5-95541382-T-A. GRCh37 (hg19) VCF-style: chr5-94877086-T-A.
Identifiers: ClinVar variation 5037988 (VCV005037988.2).
Genomic context (GRCh38, chr5:95,541,382, plus strand): 5'-CTTGGTAATATAGATCCACAAGTTTCTTGCAGACATCACACCACTTCTGCTTGTCAACAC[T>A]TAGAACAAAACAAAACACACACACACAAAAGGATTTTGAATCTGATTAATAAAAATAACC-3'